The following is an entry in ClinVar:

NM_001429.4(EP300):c.1998A>G (p.Pro666=)

Gene: EP300 (EP300 lysine acetyltransferase; plus strand). Cytogenetic location: 22q13.2.
Variant type: single nucleotide variant.
Coding change: c.1998A>G on transcript NM_001429.4 (MANE Select); coding-DNA position 1998, A replaced by G.
Protein change: p.Pro666=; no amino-acid change (proline 666 retained).
Molecular consequence: synonymous variant.
Genome position (GRCh38, 1-based): chr22:41,141,167, A>G. VCF-style: chr22-41141167-A-G. GRCh37 (hg19) VCF-style: chr22-41537171-A-G.
Other names: c.1998A>G, p.Pro666= (NM_001362843.2).
Identifiers: ClinVar variation 732746 (VCV000732746.6), dbSNP rs1451165837, ClinGen allele CA514639036.
Genomic context (GRCh38, chr22:41,141,167, plus strand): 5'-AAAACGAAGGACCAGACTACAGAAGCAGAACATGCTACCAAATGCTGCAGGCATGGTTCC[A>G]GTTTCCATGAATCCAGGGCCTAACATGGGACAGCCGCAACCAGGAATGACTTCTAGTAAG-3'
Protein context (NP_001420.2, residues 656-676): NMLPNAAGMV[Pro666=]VSMNPGPNMG

ClinVar aggregate classification (germline): Likely benign. Review status: criteria provided, single submitter (1 of 4 stars). 2 submissions from 2 submitters: Likely benign (1). 1 of the submissions does not count toward it. Last evaluated 2025-02-07.

Conditions:
Rubinstein-Taybi syndrome due to EP300 haploinsufficiency. Also called: RUBINSTEIN-TAYBI SYNDROME 2; EP300-Related Rubinstein-Taybi Syndrome. Identifiers: Orphanet 353284, Orphanet 783, MedGen C3150941, MONDO:0013364, OMIM 613684.
EP300-related disorder. Also called: EP300-related disorders; EP300-related condition.

Allele frequency attached by ClinVar (database versions not stated): gnomAD 0.00001; gnomAD exomes 0.00001 and 0.00002; TOPMed 0.00002.
gnomAD v4.1: 29 of 1,614,118 alleles (0.0018%); highest among the groups gnomAD compares: Admixed American, 0.0033%; no homozygotes.

Submissions (2):

Labcorp Genetics (formerly Invitae), Labcorp
Classification: Likely benign for Rubinstein-Taybi syndrome due to EP300 haploinsufficiency. Last evaluated: 2025-02-07. Review status: criteria provided, single submitter. Criteria: Invitae Variant Classification Sherloc (09022015). Collection method: clinical testing. Allele origin: germline.

PreventionGenetics, part of Exact Sciences
Classification: Likely benign for EP300-related condition. Last evaluated: 2021-06-22. Review status: no assertion criteria provided. Collection method: clinical testing. Allele origin: germline. Not counted in ClinVar's aggregate classification.
Comment: This variant is classified as likely benign based on ACMG/AMP sequence variant interpretation guidelines (Richards et al. 2015 PMID: 25741868, with internal and published modifications).